The following is an entry in ClinVar:

NM_001298.3(CNGA3):c.2044G>T (p.Val682Phe)

Gene: CNGA3 (cyclic nucleotide gated channel subunit alpha 3; plus strand). Cytogenetic location: 2q11.2.
Variant type: single nucleotide variant.
Coding change: c.2044G>T on transcript NM_001298.3 (MANE Select); coding-DNA position 2044, G replaced by T.
Protein change: p.Val682Phe; replaces valine 682 with phenylalanine.
Molecular consequence: missense variant.
Genome position (GRCh38, 1-based): chr2:98,397,214, G>T. VCF-style: chr2-98397214-G-T. GRCh37 (hg19) VCF-style: chr2-99013677-G-T.
Other names: c.1990G>T, p.Val664Phe (NM_001079878.2); short protein forms V664F, V682F.
Identifiers: ClinVar variation 1003612 (VCV001003612.8), dbSNP rs1692943291, ClinGen allele CA347834843.

ClinVar aggregate classification (germline): Uncertain significance (1 of 4 stars; one submission).

gnomAD v4.1: 4 of 1,614,084 alleles (0.00025%); highest among the groups gnomAD compares: Non-Finnish European, 0.000085%; no homozygotes.

Submission:

Labcorp Genetics (formerly Invitae), Labcorp
Classification: Uncertain significance. Last evaluated: 2022-03-10. Review status: criteria provided, single submitter. Criteria: Invitae Variant Classification Sherloc (09022015). Collection method: clinical testing. Allele origin: germline.
Comment: In summary, the available evidence is currently insufficient to determine the role of this variant in disease. Therefore, it has been classified as a Variant of Uncertain Significance. Advanced modeling of protein sequence and biophysical properties (such as structural, functional, and spatial information, amino acid conservation, physicochemical variation, residue mobility, and thermodynamic stability) performed at Invitae indicates that this missense variant is not expected to disrupt CNGA3 protein function. ClinVar contains an entry for this variant (Variation ID: 1003612). This variant has not been reported in the literature in individuals affected with CNGA3-related conditions. This variant is not present in population databases (gnomAD no frequency). This sequence change replaces valine, which is neutral and non-polar, with phenylalanine, which is neutral and non-polar, at codon 682 of the CNGA3 protein (p.Val682Phe).